The following is an entry in ClinVar:

NM_001136191.3(KANK2):c.2132C>T (p.Ala711Val)

Gene: KANK2 (KN motif and ankyrin repeat domains 2; minus strand). Cytogenetic location: 19p13.2.
Variant type: single nucleotide variant.
Coding change: c.2132C>T on transcript NM_001136191.3 (MANE Select); coding-DNA position 2132, C replaced by T.
Protein change: p.Ala711Val; replaces alanine 711 with valine.
Molecular consequence: missense variant.
Genome position (GRCh38, 1-based): chr19:11,173,060, G>A on the plus strand (C>T on the coding strand, the complement: KANK2 is on the minus strand). VCF-style: chr19-11173060-G-A. GRCh37 (hg19) VCF-style: chr19-11283736-G-A.
Other names: c.2132C>T, p.Ala711Val (NM_001329451.2, NM_001379555.1, NM_001379556.1 and 7 more transcripts); c.2156C>T, p.Ala719Val (NM_001379548.1, NM_001379549.1, NM_001379550.1 and 5 more transcripts); short protein forms A719V, A711V.
Identifiers: ClinVar variation 2300587 (VCV002300587.3), dbSNP rs141494405, ClinGen allele CA9205364.

ClinVar aggregate classification (germline): Uncertain significance. Review status: criteria provided, multiple submitters, no conflicts (2 of 4 stars). 2 submissions from 2 submitters: Uncertain significance (2). Last evaluated 2025-04-08.

Allele frequency attached by ClinVar (database versions not stated): gnomAD 0.00001; TOPMed 0.00001; gnomAD exomes 0.00002; ExAC 0.00005; ESP Exome Variant Server 0.00008.

Submissions (2):

Labcorp Genetics (formerly Invitae), Labcorp
Classification: Uncertain significance. Last evaluated: 2025-04-08. Review status: criteria provided, single submitter. Criteria: Invitae Variant Classification Sherloc (09022015). Collection method: clinical testing. Allele origin: germline.
Comment: This sequence change replaces alanine, which is neutral and non-polar, with valine, which is neutral and non-polar, at codon 711 of the KANK2 protein (p.Ala711Val). This variant is present in population databases (rs141494405, gnomAD 0.007%). This variant has not been reported in the literature in individuals affected with KANK2-related conditions. ClinVar contains an entry for this variant (Variation ID: 2300587). An algorithm developed to predict the effect of missense changes on protein structure and function (PolyPhen-2) suggests that this variant is likely to be disruptive. In summary, the available evidence is currently insufficient to determine the role of this variant in disease. Therefore, it has been classified as a Variant of Uncertain Significance.

Ambry Genetics
Classification: Uncertain significance. Last evaluated: 2022-07-12. Review status: criteria provided, single submitter. Criteria: Ambry Variant Classification Scheme 2023. Collection method: clinical testing. Allele origin: germline.